The following is an entry in ClinVar:

NM_004481.5(GALNT2):c.535A>G (p.Asn179Asp)

Gene: GALNT2 (polypeptide N-acetylgalactosaminyltransferase 2; plus strand). Cytogenetic location: 1q42.13.
Variant type: single nucleotide variant.
Coding change: c.535A>G on transcript NM_004481.5 (MANE Select); coding-DNA position 535, A replaced by G.
Protein change: p.Asn179Asp; replaces asparagine 179 with aspartic acid.
Molecular consequence: missense variant.
Genome position (GRCh38, 1-based): chr1:230,236,414, A>G. VCF-style: chr1-230236414-A-G. GRCh37 (hg19) VCF-style: chr1-230372160-A-G.
Other names: c.421A>G, p.Asn141Asp (NM_001291866.2); short protein forms N141D, N179D.
Identifiers: ClinVar variation 4538743 (VCV004538743.1).

ClinVar aggregate classification (germline): Uncertain significance (1 of 4 stars; one submission).

gnomAD v4.1: 4 of 1,613,922 alleles (0.00025%); highest among the groups gnomAD compares: Admixed American, 0.0017%; no homozygotes.

Submission:

GeneDx
Classification: Uncertain significance. Last evaluated: 2025-06-16. Review status: criteria provided, single submitter. Criteria: GeneDx Variant Classification Process June 2021. Collection method: clinical testing. Allele origin: germline. Affected: yes.
Comment: Not observed at significant frequency in large population cohorts (gnomAD); In silico analysis suggests that this missense variant does not alter protein structure/function; Has not been previously published as pathogenic or benign to our knowledge